The following is an entry in ClinVar:

ClinVar aggregate classification (germline): Uncertain significance (1 of 4 stars; one submission).

Conditions:
Primary ciliary dyskinesia 19. Also called: CILIARY DYSKINESIA, PRIMARY, 19, WITH OR WITHOUT SITUS INVERSUS. Identifiers: Orphanet 244, MedGen C3543826, MONDO:0013979, OMIM 614935.

gnomAD v4.1: 13 of 1,588,912 alleles (0.00082%); highest among the groups gnomAD compares: Non-Finnish European, 0.001%; no homozygotes.

Submission:

Labcorp Genetics (formerly Invitae), Labcorp
Classification: Uncertain significance for Primary ciliary dyskinesia 19. Last evaluated: 2024-04-03. Review status: criteria provided, single submitter. Criteria: Invitae Variant Classification Sherloc (09022015). Collection method: clinical testing. Allele origin: germline.
Comment: This sequence change falls in intron 5 of the LRRC6 gene. It does not directly change the encoded amino acid sequence of the LRRC6 protein. This variant is present in population databases (rs373550397, gnomAD 0.005%). This variant has not been reported in the literature in individuals affected with LRRC6-related conditions. Algorithms developed to predict the effect of sequence changes on RNA splicing suggest that this variant may disrupt the consensus splice site. In summary, the available evidence is currently insufficient to determine the role of this variant in disease. Therefore, it has been classified as a Variant of Uncertain Significance.

NM_012472.6(DNAAF11):c.653+9A>G

Gene: DNAAF11 (dynein axonemal assembly factor 11; minus strand). Cytogenetic location: 8q24.22.
Variant type: single nucleotide variant.
Coding change: c.653+9A>G on transcript NM_012472.6 (MANE Select); 9 bases into the intron after coding-DNA position 653, A replaced by G.
Molecular consequence: intron variant.
Genome position (GRCh38, 1-based): chr8:132,632,731, T>C on the plus strand (A>G on the coding strand, the complement: DNAAF11 is on the minus strand). VCF-style: chr8-132632731-T-C. GRCh37 (hg19) VCF-style: chr8-133644977-T-C.
Other names: c.407+9A>G (NM_001321962.2); c.653+9A>G (NM_001321961.2); c.293+9A>G (NM_001321966.2, NM_001321963.2, NM_001321964.2 and 1 more transcripts).
Identifiers: ClinVar variation 3715360 (VCV003715360.1).